The following is an entry in ClinVar:

NM_194248.3(OTOF):c.4873G>A (p.Val1625Met)

Gene: OTOF (otoferlin; minus strand). Cytogenetic location: 2p23.3.
Variant type: single nucleotide variant.
Coding change: c.4873G>A on transcript NM_194248.3 (MANE Select); coding-DNA position 4873, G replaced by A.
Protein change: p.Val1625Met; replaces valine 1625 with methionine.
Molecular consequence: missense variant.
Genome position (GRCh38, 1-based): chr2:26,464,956, C>T on the plus strand (G>A on the coding strand, the complement: OTOF is on the minus strand). VCF-style: chr2-26464956-C-T. GRCh37 (hg19) VCF-style: chr2-26687824-C-T.
Other names: c.4873G>A, p.Val1625Met (NM_001287489.2); c.2572G>A, p.Val858Met (NM_004802.4, NM_194323.3); c.2803G>A, p.Val935Met (NM_194322.3); short protein forms V1625M, V858M, V935M.
Identifiers: ClinVar variation 21855 (VCV000021855.3), dbSNP rs80356579, ClinGen allele CA342575.

ClinVar aggregate classification (germline): Benign (0 of 4 stars; one submission).

Conditions:
Autosomal recessive nonsyndromic hearing loss 9. Also called: AUDITORY NEUROPATHY, AUTOSOMAL RECESSIVE, 1, TEMPERATURE-SENSITIVE; Deafness, autosomal recessive 9; OTOF-Related Hearing Loss; NEUROSENSORY NONSYNDROMIC RECESSIVE DEAFNESS 9. Identifiers: Orphanet 90636, MedGen C1832828, MONDO:0010986, OMIM 601071.

Submission:

GeneReviews
Classification: Benign for OTOF-Related Deafness. Last evaluated: 2011-04-26. Review status: no assertion criteria provided. Collection method: curation. Allele origin: unknown.
ClinVar note: Converted during submission from benign to Benign.